The following is an entry in ClinVar:

ClinVar aggregate classification (germline): Uncertain significance. Review status: criteria provided, single submitter (1 of 4 stars). 2 submissions from 2 submitters: Uncertain significance (1). 1 of the submissions does not count toward it.

Conditions:
ANXA11-related disorder. Also called: ANXA11-related condition.
Amyotrophic lateral sclerosis type 23. Identifiers: MedGen C4693381, MONDO:0027694, OMIM 617839.
Inclusion body myopathy and brain white matter abnormalities (IBMWMA). Also called: MULTISYSTEM PROTEINOPATHY 6. Identifiers: MedGen C5676909, MONDO:0850514, OMIM 619733.

Submissions (2):

Juno Genomics, Hangzhou Juno Genomics, Inc
Classification: Uncertain significance for Amyotrophic lateral sclerosis type 23; Inclusion body myopathy and brain white matter abnormalities. Review status: criteria provided, single submitter. Criteria: ACMG Guidelines, 2015. Collection method: clinical testing. Allele origin: germline.
Comment: Absent from controls (or at extremely low frequency if recessive) in Genome Aggregation Database.;Multiple lines of computational evidence support a deleterious effect on the gene or gene product.

PreventionGenetics, part of Exact Sciences
Classification: Likely benign for ANXA11-related condition. Last evaluated: 2023-03-02. Review status: no assertion criteria provided. Collection method: clinical testing. Allele origin: germline. Not counted in ClinVar's aggregate classification.
Comment: This variant is classified as likely benign based on ACMG/AMP sequence variant interpretation guidelines (Richards et al. 2015 PMID: 25741868, with internal and published modifications).

NM_145868.2(ANXA11):c.562-12_562-9del

Gene: ANXA11 (annexin A11; minus strand). Cytogenetic location: 10q22.3.
Variant type: Deletion.
Coding change: c.562-12_562-9del on transcript NM_145868.2 (MANE Select); 12 bases into the intron before coding-DNA position 562 through 9 bases into the intron before coding-DNA position 562, 4 bases deleted (TTGT; older notation c.562-12_562-9delTTGT).
Molecular consequence: intron variant.
Genome position (GRCh38, 1-based): chr10:80,167,322-80,167,325, ACAA deleted on the plus strand (TTGT on the coding strand, the reverse complement: ANXA11 is on the minus strand); deleting any 4 consecutive bases within chr10:80,167,322-80,167,328 gives the same sequence; the c. name uses the placement nearest the transcript's 3' end. VCF-style (leftmost placement, unchanged base first): chr10-80167321-GACAA-G. GRCh37 (hg19) VCF-style: chr10-81927077-GACAA-G.
Other names: c.562-12_562-9del (NM_001278407.2, NM_001157.3, NM_145869.2 and 1 more transcripts); c.463-12_463-9del (NM_001278409.2).
Identifiers: ClinVar variation 3358621 (VCV003358621.3).
Genomic context (GRCh38, chr10:80,167,321, plus strand): 5'-TCTCGCAGGGGGTCAAAGCCGGGAGCATCAGTGATGGTGCCTCGGCTTCCAAACTACTCG[GACAA>G]ACAGTCTCAGGTAAGATGTCGTGCATGCCGCCTTCCCCACATTCAAGGCTGCTCCACCCC-3'